The following is an entry in ClinVar:

ClinVar aggregate classification (germline): Pathogenic (1 of 4 stars; one submission).

Conditions:
Autosomal recessive nonsyndromic hearing loss 35. Identifiers: Orphanet 90636, MedGen C1837857, MONDO:0012060, OMIM 608565.

Submission:

3billion
Classification: Pathogenic for Autosomal recessive nonsyndromic hearing loss 35. Last evaluated: 2023-07-25. Review status: criteria provided, single submitter. Criteria: ACMG Guidelines, 2015. Collection method: clinical testing. Allele origin: germline. Affected: yes.
Comment: The variant is not observed in the gnomAD v2.1.1 dataset. Predicted Consequence/Location: Stop-gained (nonsense): predicted to result in a loss or disruption of normal protein function through nonsense-mediated decay (NMD) or protein truncation. Multiple pathogenic variants are reported downstream of the variant. Therefore, this variant is classified as Pathogenic according to the recommendation of ACMG/AMP guideline.

NM_001379180.1(ESRRB):c.661C>T (p.Gln221Ter)

Gene: ESRRB (estrogen related receptor beta; plus strand). Cytogenetic location: 14q24.3.
Variant type: single nucleotide variant.
Coding change: c.661C>T on transcript NM_001379180.1 (MANE Select); coding-DNA position 661, C replaced by T.
Protein change: p.Gln221Ter; replaces glutamine 221 with a stop codon.
Molecular consequence: nonsense.
Genome position (GRCh38, 1-based): chr14:76,482,099, C>T. VCF-style: chr14-76482099-C-T. GRCh37 (hg19) VCF-style: chr14-76948442-C-T.
Other names: c.613C>T, p.Gln205Ter (NM_001411038.1); c.598C>T, p.Gln200Ter (NM_004452.4); short protein forms Q200*, Q205*, Q221*.
Identifiers: ClinVar variation 3775555 (VCV003775555.1).
Genomic context (GRCh38, chr14:76,482,099, plus strand): 5'-GGAGGCCGTCAGAAATACAAGCGACGGCTGGACTCAGAGAGCAGCCCATACCTGAGCTTA[C>T]AAATTTCTCCACCTGCTAAAAAGCCATGTGAGTGTCAGGGCAGTCCCTGCCCCTTTTGCC-3'